The following is an entry in ClinVar:

ClinVar aggregate classification (germline): Uncertain significance (1 of 4 stars; one submission).

Submission:

Labcorp Genetics (formerly Invitae), Labcorp
Classification: Uncertain significance. Last evaluated: 2025-05-19. Review status: criteria provided, single submitter. Criteria: Invitae Variant Classification Sherloc (09022015). Collection method: clinical testing. Allele origin: germline.
Comment: This sequence change replaces aspartic acid, which is acidic and polar, with tyrosine, which is neutral and polar, at codon 1193 of the TUBGCP6 protein (p.Asp1193Tyr). This variant is not present in population databases (gnomAD no frequency). This variant has not been reported in the literature in individuals affected with TUBGCP6-related conditions. ClinVar contains an entry for this variant (Variation ID: 3663887). An algorithm developed to predict the effect of missense changes on protein structure and function (PolyPhen-2) suggests that this variant is likely to be disruptive. In summary, the available evidence is currently insufficient to determine the role of this variant in disease. Therefore, it has been classified as a Variant of Uncertain Significance.

NM_020461.4(TUBGCP6):c.3577G>T (p.Asp1193Tyr)

Gene: TUBGCP6 (tubulin gamma complex component 6; minus strand). Cytogenetic location: 22q13.33.
Variant type: single nucleotide variant.
Coding change: c.3577G>T on transcript NM_020461.4 (MANE Select); coding-DNA position 3577, G replaced by T.
Protein change: p.Asp1193Tyr; replaces aspartic acid 1193 with tyrosine.
Molecular consequence: missense variant.
Genome position (GRCh38, 1-based): chr22:50,220,782, C>A on the plus strand (G>T on the coding strand, the complement: TUBGCP6 is on the minus strand). VCF-style: chr22-50220782-C-A. GRCh37 (hg19) VCF-style: chr22-50659211-C-A.
Other names: short protein forms D1193Y.
Identifiers: ClinVar variation 3663887 (VCV003663887.2).